The following is an entry in ClinVar:

ClinVar aggregate classification (germline): Uncertain significance (1 of 4 stars; one submission).

Conditions:
Baller-Gerold syndrome (BGS). Also called: CRANIOSYNOSTOSIS WITH RADIAL DEFECTS. Identifiers: Orphanet 1225, MedGen C0265308, MONDO:0009039, OMIM 218600.

Allele frequency attached by ClinVar (database versions not stated): gnomAD 0.00001 and 0.00002; TOPMed 0.00002.
gnomAD v4.1: 4 of 1,578,412 alleles (0.00025%); highest among the groups gnomAD compares: African/African-American, 0.0027%; no homozygotes.

Submission:

Labcorp Genetics (formerly Invitae), Labcorp
Classification: Uncertain significance for Baller-Gerold syndrome. Last evaluated: 2024-04-05. Review status: criteria provided, single submitter. Criteria: Invitae Variant Classification Sherloc (09022015). Collection method: clinical testing. Allele origin: germline.
Comment: This sequence change replaces proline, which is neutral and non-polar, with serine, which is neutral and polar, at codon 891 of the RECQL4 protein (p.Pro891Ser). The frequency data for this variant in the population databases is considered unreliable, as metrics indicate poor data quality at this position in the gnomAD database. This variant has not been reported in the literature in individuals affected with RECQL4-related conditions. ClinVar contains an entry for this variant (Variation ID: 1008555). Advanced modeling of protein sequence and biophysical properties (such as structural, functional, and spatial information, amino acid conservation, physicochemical variation, residue mobility, and thermodynamic stability) performed at Invitae indicates that this missense variant is not expected to disrupt RECQL4 protein function with a negative predictive value of 80%. In summary, the available evidence is currently insufficient to determine the role of this variant in disease. Therefore, it has been classified as a Variant of Uncertain Significance.

NM_004260.4(RECQL4):c.2671C>T (p.Pro891Ser)

Gene: RECQL4 (RecQ like helicase 4; minus strand). Cytogenetic location: 8q24.3.
Variant type: single nucleotide variant.
Coding change: c.2671C>T on transcript NM_004260.4 (MANE Select); coding-DNA position 2671, C replaced by T.
Protein change: p.Pro891Ser; replaces proline 891 with serine.
Molecular consequence: missense variant.
Genome position (GRCh38, 1-based): chr8:144,512,931, G>A on the plus strand (C>T on the coding strand, the complement: RECQL4 is on the minus strand). VCF-style: chr8-144512931-G-A. GRCh37 (hg19) VCF-style: chr8-145738314-G-A.
Other names: short protein forms P891S.
Identifiers: ClinVar variation 1008555 (VCV001008555.5), dbSNP rs757175211, ClinGen allele CA187681480.